The following is an entry in ClinVar:

ClinVar aggregate classification (germline): Benign (0 of 4 stars; one submission).

Conditions:
WDR48-related disorder. Also called: WDR48-related condition.

Allele frequency attached by ClinVar (database versions not stated): gnomAD exomes 0.00048; gnomAD 0.00056; TOPMed 0.00070; ESP Exome Variant Server 0.00092; ExAC 0.00094.
gnomAD v4.1: 838 of 1,605,432 alleles (0.052%); highest among the groups gnomAD compares: Non-Finnish European, 0.0093%; 11 homozygotes.

Submission:

PreventionGenetics, part of Exact Sciences
Classification: Benign for WDR48-related condition. Last evaluated: 2019-07-26. Review status: no assertion criteria provided. Collection method: clinical testing. Allele origin: germline.
Comment: This variant is classified as benign based on ACMG/AMP sequence variant interpretation guidelines (Richards et al. 2015 PMID: 25741868, with internal and published modifications).

NM_020839.4(WDR48):c.1682A>G (p.Lys561Arg)

Gene: WDR48 (WD repeat domain 48; plus strand). Cytogenetic location: 3p22.2.
Variant type: single nucleotide variant.
Coding change: c.1682A>G on transcript NM_020839.4 (MANE Select); coding-DNA position 1682, A replaced by G.
Protein change: p.Lys561Arg; replaces lysine 561 with arginine.
Molecular consequence: missense variant. On other transcripts: non-coding transcript variant (3).
Genome position (GRCh38, 1-based): chr3:39,091,638, A>G. VCF-style: chr3-39091638-A-G. GRCh37 (hg19) VCF-style: chr3-39133129-A-G.
Other names: c.1436A>G, p.Lys479Arg (NM_001303402.2); c.1655A>G, p.Lys552Arg (NM_001303403.2); c.1796A>G, p.Lys599Arg (NM_001346225.2); c.1511A>G, p.Lys504Arg (NM_001346226.2); c.1157A>G, p.Lys386Arg (NM_001346227.2); c.1472A>G, p.Lys491Arg (NM_001346228.2); short protein forms K386R, K479R, K491R, K504R, K552R, K561R, K599R.
Identifiers: ClinVar variation 3050664 (VCV003050664.2), dbSNP rs139870313, ClinGen allele CA2323315.